The following is an entry in ClinVar:

ClinVar aggregate classification (germline): Uncertain significance. Review status: criteria provided, multiple submitters, no conflicts (2 of 4 stars). 5 submissions from 5 submitters: Uncertain significance (5). Last evaluated 2026-01-12.

Conditions:
Muscular dystrophy-dystroglycanopathy type B6 (MDDGB6). Also called: MUSCULAR DYSTROPHY-DYSTROGLYCANOPATHY (CONGENITAL WITH IMPAIRED INTELLECTUAL DEVELOPMENT), TYPE B, 6; MUSCULAR DYSTROPHY, CONGENITAL, LARGE-RELATED; MUSCULAR DYSTROPHY, CONGENITAL, TYPE 1D. Identifiers: MedGen C1837229, MONDO:0012138, OMIM 608840.
Inborn genetic diseases. Identifiers: MedGen C0950123, MeSH D030342.

Allele frequency attached by ClinVar (database versions not stated): gnomAD exomes 0.00008; gnomAD 0.00010 and 0.00011; ExAC 0.00011; TOPMed 0.00012; ESP Exome Variant Server 0.00015.
gnomAD v4.1: 131 of 1,613,664 alleles (0.0081%); highest among the groups gnomAD compares: Non-Finnish European, 0.01%; no homozygotes.

Submissions (5):

Labcorp Genetics (formerly Invitae), Labcorp
Classification: Uncertain significance for Muscular dystrophy-dystroglycanopathy type B6. Last evaluated: 2026-01-12. Review status: criteria provided, single submitter. Criteria: Invitae Variant Classification Sherloc (09022015). Collection method: clinical testing. Allele origin: germline.
Comment: This sequence change replaces valine, which is neutral and non-polar, with leucine, which is neutral and non-polar, at codon 266 of the LARGE1 protein (p.Val266Leu). This variant is present in population databases (rs145594612, gnomAD 0.02%). This variant has not been reported in the literature in individuals affected with LARGE1-related conditions. ClinVar contains an entry for this variant (Variation ID: 570284). Invitae Evidence Modeling of protein sequence and biophysical properties (such as structural, functional, and spatial information, amino acid conservation, physicochemical variation, residue mobility, and thermodynamic stability) indicates that this missense variant is not expected to disrupt LARGE1 protein function with a negative predictive value of 80%. In summary, the available evidence is currently insufficient to determine the role of this variant in disease. Therefore, it has been classified as a Variant of Uncertain Significance.

GeneDx
Classification: Uncertain significance. Last evaluated: 2024-12-19. Review status: criteria provided, single submitter. Criteria: GeneDx Variant Classification Process June 2021. Collection method: clinical testing. Allele origin: germline. Affected: yes.
Comment: In silico analysis indicates that this missense variant does not alter protein structure/function; Has not been previously published as pathogenic or benign to our knowledge; This variant is associated with the following publications: (PMID: 24709677, 25279699)

Mayo Clinic Laboratories, Mayo Clinic
Classification: Uncertain significance. Last evaluated: 2023-12-08. Review status: criteria provided, single submitter. Criteria: ACMG Guidelines, 2015. Collection method: clinical testing. Allele origin: germline. Observed: 1 variant allele.
Comment: BP4

Revvity Omics, Revvity
Classification: Uncertain significance. Last evaluated: 2021-10-13. Review status: criteria provided, single submitter. Criteria: ACMG Guidelines, 2015. Collection method: clinical testing. Allele origin: germline.

Ambry Genetics
Classification: Uncertain significance for Inborn genetic diseases. Last evaluated: 2021-08-17. Review status: criteria provided, single submitter. Criteria: Ambry Variant Classification Scheme 2023. Collection method: clinical testing. Allele origin: germline.

NM_133642.5(LARGE1):c.796G>C (p.Val266Leu)

Gene: LARGE1 (LARGE xylosyl- and glucuronyltransferase 1; minus strand). Cytogenetic location: 22q12.3.
Variant type: single nucleotide variant.
Coding change: c.796G>C on transcript NM_133642.5 (MANE Select); coding-DNA position 796, G replaced by C.
Protein change: p.Val266Leu; replaces valine 266 with leucine.
Molecular consequence: missense variant.
Genome position (GRCh38, 1-based): chr22:33,432,257, C>G on the plus strand (G>C on the coding strand, the complement: LARGE1 is on the minus strand). VCF-style: chr22-33432257-C-G. GRCh37 (hg19) VCF-style: chr22-33828243-C-G.
Other names: p.Val266Leu; c.796G>C, p.Val266Leu (NM_001362949.2, NM_001362951.2, NM_001362953.2 and 7 more transcripts); c.193G>C, p.Val65Leu (NM_001378630.1, NM_001378631.1); c.796G>C (NM_004737.6); short protein forms V266L, V65L.
Identifiers: ClinVar variation 570284 (VCV000570284.12), dbSNP rs145594612, ClinGen allele CA10202928.